The following is an entry in ClinVar:

ClinVar aggregate classification (germline): Uncertain significance (1 of 4 stars; one submission).

Conditions:
Hereditary cancer-predisposing syndrome. Also called: Neoplastic Syndromes, Hereditary; Hereditary Cancer Syndrome; Tumor predisposition; Hereditary neoplastic syndrome. Identifiers: Orphanet 140162, MedGen C0027672, MeSH D009386, MONDO:0015356.

Submission:

Color Diagnostics, LLC DBA Color Health
Classification: Uncertain significance for Hereditary cancer-predisposing syndrome. Last evaluated: 2024-03-06. Review status: criteria provided, single submitter. Criteria: ACMG Guidelines, 2015. Collection method: clinical testing. Allele origin: germline.
Comment: This missense variant replaces threonine with proline at codon 3388 of the BRCA2 protein. Computational prediction tool suggests that this variant may not impact protein structure and function (internally defined REVEL score threshold <= 0.5, PMID: 27666373). Splice site prediction tools suggest that this variant may not impact RNA splicing. To our knowledge, functional studies have not been performed for this variant. This variant has not been reported in individuals affected with hereditary cancer in the literature. This variant has not been identified in the general population by the Genome Aggregation Database (gnomAD). The available evidence is insufficient to determine the role of this variant in disease conclusively. Therefore, this variant is classified as a Variant of Uncertain Significance.

NM_000059.4(BRCA2):c.10162A>C (p.Thr3388Pro)

Gene: BRCA2 (BRCA2 DNA repair associated; plus strand). Cytogenetic location: 13q13.1.
Variant type: single nucleotide variant.
Coding change: c.10162A>C on transcript NM_000059.4 (MANE Select); coding-DNA position 10162, A replaced by C.
Protein change: p.Thr3388Pro; replaces threonine 3388 with proline.
Molecular consequence: missense variant.
Genome position (GRCh38, 1-based): chr13:32,398,675, A>C. VCF-style: chr13-32398675-A-C. GRCh37 (hg19) VCF-style: chr13-32972812-A-C.
Other names: short protein forms T3388P.
Identifiers: ClinVar variation 928077 (VCV000928077.4), dbSNP rs431825278, ClinGen allele CA387768202.
Genomic context (GRCh38, chr13:32,398,675, plus strand): 5'-TCCACTAGGACTGCTCCCACCAGTTCAGAAGATTATCTCAGACTGAAACGACGTTGTACT[A>C]CATCTCTGATCAAAGAACAGGAGAGTTCCCAGGCCAGTACGGAAGAATGTGAGAAAAATA-3'
Protein context (NP_000050.3, residues 3378-3398): DYLRLKRRCT[Thr3388Pro]SLIKEQESSQ